The following is an entry in ClinVar:

NM_145059.3(FCSK):c.1639C>T (p.Arg547Trp)

Gene: FCSK (fucose kinase; plus strand). Cytogenetic location: 16q22.1.
Variant type: single nucleotide variant.
Coding change: c.1639C>T on transcript NM_145059.3 (MANE Select); coding-DNA position 1639, C replaced by T.
Protein change: p.Arg547Trp; replaces arginine 547 with tryptophan.
Molecular consequence: missense variant.
Genome position (GRCh38, 1-based): chr16:70,473,215, C>T. VCF-style: chr16-70473215-C-T. GRCh37 (hg19) VCF-style: chr16-70507118-C-T.
Other names: c.1639C>T (NM_145059.2); short protein forms R547W.
Identifiers: ClinVar variation 2039788 (VCV002039788.6), dbSNP rs537379806, ClinGen allele CA8143397.

ClinVar aggregate classification (germline): Uncertain significance. Review status: criteria provided, multiple submitters, no conflicts (2 of 4 stars). 2 submissions from 2 submitters: Uncertain significance (2). Last evaluated 2025-10-13.

Allele frequency attached by ClinVar (database versions not stated): 1000 Genomes Project 30x 0.00016; 1000 Genomes Project 0.00020; gnomAD 0.00022; ExAC 0.00023; gnomAD exomes 0.00023; TOPMed 0.00031.

Submissions (2):

Labcorp Genetics (formerly Invitae), Labcorp
Classification: Uncertain significance. Last evaluated: 2025-10-13. Review status: criteria provided, single submitter. Criteria: Invitae Variant Classification Sherloc (09022015). Collection method: clinical testing. Allele origin: germline.
Comment: This sequence change replaces arginine, which is basic and polar, with tryptophan, which is neutral and slightly polar, at codon 547 of the FUK protein (p.Arg547Trp). This variant is present in population databases (rs537379806, gnomAD 0.04%). This variant has not been reported in the literature in individuals affected with FUK-related conditions. ClinVar contains an entry for this variant (Variation ID: 2039788). An algorithm developed to predict the effect of missense changes on protein structure and function (PolyPhen-2) suggests that this variant is likely to be tolerated. In summary, the available evidence is currently insufficient to determine the role of this variant in disease. Therefore, it has been classified as a Variant of Uncertain Significance.

Ambry Genetics
Classification: Uncertain significance. Last evaluated: 2024-04-15. Review status: criteria provided, single submitter. Criteria: Ambry Variant Classification Scheme 2023. Collection method: clinical testing. Allele origin: germline.